The following is an entry in ClinVar:

ClinVar aggregate classification (germline): Uncertain significance. Review status: criteria provided, multiple submitters, no conflicts (2 of 4 stars). 3 submissions from 3 submitters: Uncertain significance (3). Last evaluated 2026-04-12.

Conditions:
Ehlers-Danlos syndrome, classic type, 1 (EDSCL1). Also called: EDS I; Ehlers-Danlos syndrome, type 1; EHLERS-DANLOS SYNDROME, GRAVIS TYPE; EHLERS-DANLOS SYNDROME, SEVERE CLASSIC TYPE; Ehlers-Danlos Syndrome, Classic Type, COL5A1-Related. Identifiers: MedGen C0268335, MONDO:0019567, OMIM 130000.
Osteogenesis imperfecta type I (OI1). Also called: Osteogenesis imperfecta type 1; Lobstein's Disease; OI, TYPE I; OSTEOGENESIS IMPERFECTA TARDA; OSTEOGENESIS IMPERFECTA WITH BLUE SCLERAE; Lobstein disease. Identifiers: Orphanet 216796, Orphanet 666, MedGen C0023931, MONDO:0008146, OMIM 166200. Disease mechanism: loss of function.
Cardiovascular phenotype. Identifiers: MedGen CN230736.

Allele frequency attached by ClinVar (database versions not stated): gnomAD 0.00001.
gnomAD v4.1: 18 of 1,613,310 alleles (0.0011%); highest among the groups gnomAD compares: Admixed American, 0.0017%; no homozygotes.

Submissions (3):

Ambry Genetics
Classification: Uncertain significance for Cardiovascular phenotype. Last evaluated: 2026-04-12. Review status: criteria provided, single submitter. Criteria: Ambry Variant Classification Scheme 2023. Collection method: clinical testing. Allele origin: germline.
Comment: The p.P168S variant (also known as c.502C>T), located in coding exon 11 of the COL1A2 gene, results from a C to T substitution at nucleotide position 502. The proline at codon 168 is replaced by serine, an amino acid with similar properties. This amino acid position is conserved. In addition, this alteration is predicted to be deleterious by in silico analysis. Based on the available evidence, the clinical significance of this variant remains unclear.

Labcorp Genetics (formerly Invitae), Labcorp
Classification: Uncertain significance for Osteogenesis imperfecta type I; Ehlers-Danlos syndrome, classic type, 1. Last evaluated: 2024-04-13. Review status: criteria provided, single submitter. Criteria: Invitae Variant Classification Sherloc (09022015). Collection method: clinical testing. Allele origin: germline.
Comment: This sequence change replaces proline, which is neutral and non-polar, with serine, which is neutral and polar, at codon 168 of the COL1A2 protein (p.Pro168Ser). This variant is present in population databases (no rsID available, gnomAD 0.0009%). This variant has not been reported in the literature in individuals affected with COL1A2-related conditions. ClinVar contains an entry for this variant (Variation ID: 1704075). Advanced modeling of protein sequence and biophysical properties (such as structural, functional, and spatial information, amino acid conservation, physicochemical variation, residue mobility, and thermodynamic stability) has been performed at Invitae for this missense variant, however the output from this modeling did not meet the statistical confidence thresholds required to predict the impact of this variant on COL1A2 protein function. In summary, the available evidence is currently insufficient to determine the role of this variant in disease. Therefore, it has been classified as a Variant of Uncertain Significance.

GeneDx
Classification: Uncertain significance. Last evaluated: 2022-03-04. Review status: criteria provided, single submitter. Criteria: GeneDx Variant Classification Process June 2021. Collection method: clinical testing. Allele origin: germline. Affected: yes.
Comment: Has not been previously published as pathogenic or benign to our knowledge; Not observed at significant frequency in large population cohorts (gnomAD); In silico analysis supports that this missense variant has a deleterious effect on protein structure/function; Not located in the triple helical region, where the majority of pathogenic missense variants occur (HGMD)

NM_000089.4(COL1A2):c.502C>T (p.Pro168Ser)

Gene: COL1A2 (collagen type I alpha 2 chain; plus strand). Cytogenetic location: 7q21.3.
Variant type: single nucleotide variant.
Coding change: c.502C>T on transcript NM_000089.4 (MANE Select); coding-DNA position 502, C replaced by T.
Protein change: p.Pro168Ser; replaces proline 168 with serine.
Molecular consequence: missense variant.
Genome position (GRCh38, 1-based): chr7:94,405,688, C>T. VCF-style: chr7-94405688-C-T. GRCh37 (hg19) VCF-style: chr7-94035000-C-T.
Other names: short protein forms P168S.
Identifiers: ClinVar variation 1704075 (VCV001704075.5), dbSNP rs1339402780, ClinGen allele CA368219912.